The following is an entry in ClinVar:

NM_182914.3(SYNE2):c.11637G>C (p.Met3879Ile)

Gene: SYNE2 (spectrin repeat containing nuclear envelope protein 2; plus strand). Cytogenetic location: 14q23.2.
Variant type: single nucleotide variant.
Coding change: c.11637G>C on transcript NM_182914.3 (MANE Select); coding-DNA position 11637, G replaced by C.
Protein change: p.Met3879Ile; replaces methionine 3879 with isoleucine.
Molecular consequence: missense variant.
Genome position (GRCh38, 1-based): chr14:64,087,823, G>C. VCF-style: chr14-64087823-G-C. GRCh37 (hg19) VCF-style: chr14-64554541-G-C.
Other names: c.11637G>C, p.Met3879Ile (NM_015180.6); short protein forms M3879I.
Identifiers: ClinVar variation 2276112 (VCV002276112.5), dbSNP rs1440292982, ClinGen allele CA389946344.

ClinVar aggregate classification (germline): Uncertain significance. Review status: criteria provided, multiple submitters, no conflicts (2 of 4 stars). 2 submissions from 2 submitters: Uncertain significance (2). Last evaluated 2023-06-30.

Conditions:
Emery-Dreifuss muscular dystrophy 5, autosomal dominant (EDMD5). Also called: EMERY-DREIFUSS MUSCULAR DYSTROPHY 5. Identifiers: Orphanet 261, MedGen C2751805, MONDO:0013072, OMIM 612999.

Allele frequency attached by ClinVar (database versions not stated): gnomAD 0.00001; gnomAD exomes 0.00002.
gnomAD v4.1: 24 of 1,613,942 alleles (0.0015%); highest among the groups gnomAD compares: Non-Finnish European, 0.0019%; no homozygotes.

Submissions (2):

Labcorp Genetics (formerly Invitae), Labcorp
Classification: Uncertain significance for Emery-Dreifuss muscular dystrophy 5, autosomal dominant. Last evaluated: 2023-06-30. Review status: criteria provided, single submitter. Criteria: Invitae Variant Classification Sherloc (09022015). Collection method: clinical testing. Allele origin: germline.
Comment: ClinVar contains an entry for this variant (Variation ID: 2276112). This variant has not been reported in the literature in individuals affected with SYNE2-related conditions. This variant is present in population databases (no rsID available, gnomAD 0.002%). This sequence change replaces methionine, which is neutral and non-polar, with isoleucine, which is neutral and non-polar, at codon 3879 of the SYNE2 protein (p.Met3879Ile). Algorithms developed to predict the effect of missense changes on protein structure and function output the following: SIFT: "Not Available"; PolyPhen-2: "Benign"; Align-GVGD: "Not Available". The isoleucine amino acid residue is found in multiple mammalian species, which suggests that this missense change does not adversely affect protein function. In summary, the available evidence is currently insufficient to determine the role of this variant in disease. Therefore, it has been classified as a Variant of Uncertain Significance.

Ambry Genetics
Classification: Uncertain significance. Last evaluated: 2022-02-09. Review status: criteria provided, single submitter. Criteria: Ambry Variant Classification Scheme 2023. Collection method: clinical testing. Allele origin: germline.